The following is an entry in ClinVar:

ClinVar aggregate classification (germline): Conflicting classifications of pathogenicity. Review status: criteria provided, conflicting classifications (1 of 4 stars). 7 submissions from 7 submitters: Uncertain significance (2); Likely benign (5). Last evaluated 2025-11-24.

Conditions:
Cardiovascular phenotype. Identifiers: MedGen CN230736.
Glycogen storage disease, type II (IOPD). Also called: Acid maltase deficiency disease; Aglucosidase alfa; Deficiency of alpha-glucosidase; Deficiency of lysosomal alpha-glucosidase; POMPE DISEASE, INFANTILE-ONSET; GLYCOGEN STORAGE DISEASE II, INFANTILE-ONSET. Identifiers: Orphanet 365, MedGen C0017921, MONDO:0009290, OMIM 232300.

Allele frequency attached by ClinVar (database versions not stated): gnomAD 0.00002 and 0.00003; gnomAD exomes 0.00002; ExAC 0.00003; TOPMed 0.00003; 1000 Genomes Project 0.00020; 1000 Genomes Project 30x 0.00031.

Submissions (7):

Labcorp Genetics (formerly Invitae), Labcorp
Classification: Likely benign for Glycogen storage disease, type II. Last evaluated: 2025-11-24. Review status: criteria provided, single submitter. Criteria: Invitae Variant Classification Sherloc (09022015). Collection method: clinical testing. Allele origin: germline.

Ambry Genetics
Classification: Likely benign for Cardiovascular phenotype. Last evaluated: 2025-02-23. Review status: criteria provided, single submitter. Criteria: Ambry Variant Classification Scheme 2023. Collection method: clinical testing. Allele origin: germline.

Blueprint Genetics
Classification: Likely benign. Last evaluated: 2024-10-30. Review status: criteria provided, single submitter. Criteria: ACMG Guidelines, 2015. Collection method: clinical testing. Allele origin: germline.

CeGaT Center for Human Genetics Tuebingen
Classification: Likely benign. Last evaluated: 2023-01-01. Review status: criteria provided, single submitter. Criteria: CeGaT Center For Human Genetics Tuebingen Variant Classification Criteria Version 2. Collection method: clinical testing. Allele origin: germline. Affected: yes. Observed: 1 variant allele.
Comment: GAA: BP4, BP7

Genome-Nilou Lab
Classification: Uncertain significance for Glycogen storage disease, type II. Last evaluated: 2021-07-22. Review status: criteria provided, single submitter. Criteria: ACMG Guidelines, 2015. Collection method: clinical testing. Allele origin: germline. Affected: no.

GeneDx
Classification: Likely benign. Last evaluated: 2020-07-22. Review status: criteria provided, single submitter. Criteria: GeneDx Variant Classification Process June 2021. Collection method: clinical testing. Allele origin: germline. Affected: yes.

Eurofins Ntd Llc (ga)
Classification: Uncertain significance. Last evaluated: 2016-08-08. Review status: criteria provided, single submitter. Criteria: EGL Classification Definitions 2015. Collection method: clinical testing. Allele origin: germline. Observed: 1 variant allele, 1 heterozygote.

NM_000152.5(GAA):c.1560C>T (p.Asn520=)

Gene: GAA (alpha glucosidase; plus strand). Cytogenetic location: 17q25.3.
Variant type: single nucleotide variant.
Coding change: c.1560C>T on transcript NM_000152.5 (MANE Select); coding-DNA position 1560, C replaced by T.
Protein change: p.Asn520=; no amino-acid change (asparagine 520 retained).
Molecular consequence: synonymous variant.
Genome position (GRCh38, 1-based): chr17:80,110,949, C>T. VCF-style: chr17-80110949-C-T. GRCh37 (hg19) VCF-style: chr17-78084748-C-T.
Other names: c.1560C>T, p.Asn520= (NM_001079803.3, NM_001079804.3).
Identifiers: ClinVar variation 290162 (VCV000290162.46), dbSNP rs116322271, ClinGen allele CA8815385.
Genomic context (GRCh38, chr17:80,110,949, plus strand): 5'-CCACCCTCCTCACTCTGGGCAGAGTCACCTACCAGCAGCGCTTCTCTTGCAGGACATGAA[C>T]GAGCCTTCCAACTTCATCAGGGGCTCTGAGGACGGCTGCCCCAACAATGAGCTGGAGAAC-3'
Protein context (NP_000143.2, residues 510-530): VPFDGMWIDM[Asn520=]EPSNFIRGSE